The following is an entry in ClinVar:

ClinVar aggregate classification (germline): Likely pathogenic (1 of 4 stars; one submission).

Conditions:
Hereditary cancer-predisposing syndrome. Also called: Neoplastic Syndromes, Hereditary; Tumor predisposition; Hereditary Cancer Syndrome; Hereditary neoplastic syndrome. Identifiers: Orphanet 140162, MedGen C0027672, MeSH D009386, MONDO:0015356.

Submission:

Ambry Genetics
Classification: Likely pathogenic for Hereditary cancer-predisposing syndrome. Last evaluated: 2026-04-16. Review status: criteria provided, single submitter. Criteria: Ambry Variant Classification Scheme 2023. Collection method: clinical testing. Allele origin: germline.
Comment: The c.2506-5_2512del12 variant results from a deletion of 12 nucleotides between positions 2506-5 and 2512 and involves the canonical splice acceptor site before coding exon 17 of the SMARCA4 gene. Variants that disrupt the canonical splice site are expected to cause aberrant splicing, resulting in an abnormal protein or a transcript that is subject to nonsense-mediated mRNA decay. In silico splice site analysis predicts that this alteration may result in the creation or strengthening of a novel splice acceptor site. RNA studies have demonstrated that this variant results in abnormal splicing in the set of samples tested (Ambry internal data). The canonical splice acceptor site is highly conserved in available vertebrate species. Loss-of-function variants in SMARCA4 are known to cause rhabdoid tumor predisposition syndrome including small cell carcinoma of the ovary-hypercalcemic type (SCCOHT); however, such associations with neurodevelopmental disorders are exceedingly rare (Kosho T et al. Am J Med Genet C Semin Med Genet. 2014 Sep;166C(3):262-75; Jelinic P et al. Nat Genet. 2014 May;46(5):424-6). Based on the supporting evidence, this alteration is likely pathogenic for rhabdoid tumor predisposition syndrome; however, the association of this alteration with Coffin-Siris syndrome is unlikely.

NM_003072.5(SMARCA4):c.2506-5_2512del

Gene: SMARCA4 (SWI/SNF related BAF chromatin remodeling complex subunit ATPase 4; plus strand). Cytogenetic location: 19p13.2.
Variant type: Deletion.
Coding change: c.2506-5_2512del on transcript NM_003072.5 (MANE Select); 5 bases into the intron before coding-DNA position 2506 through coding-DNA position 2512, 12 bases deleted (TGCAGGGATCCC).
Molecular consequence: splice acceptor variant.
Genome position (GRCh38, 1-based): chr19:11,019,586-11,019,597, TGCAGGGATCCC deleted. VCF-style (leftmost placement, unchanged base first): chr19-11019585-TTGCAGGGATCCC-T. GRCh37 (hg19) VCF-style: chr19-11130261-TTGCAGGGATCCC-T.
Other names: c.2506-5_2512del (NM_001387283.1, NM_001411150.1, NM_001374457.1 and 6 more transcripts).
Identifiers: ClinVar variation 4864760 (VCV004864760.1).